The following is an entry in ClinVar:

ClinVar aggregate classification (germline): Uncertain significance. Review status: criteria provided, multiple submitters, no conflicts (2 of 4 stars). 2 submissions from 2 submitters: Uncertain significance (2). Last evaluated 2024-09-29.

Conditions:
Inborn genetic diseases. Identifiers: MedGen C0950123, MeSH D030342.
Hereditary sensory and autonomic neuropathy type 7. Also called: HSAN VII; Neuropathy, hereditary sensory and autonomic, type VII. Identifiers: Orphanet 391397, MedGen C3809882, MONDO:0014244, OMIM 615548.
Familial episodic pain syndrome with predominantly lower limb involvement. Also called: Episodic pain syndrome, familial, 3. Identifiers: Orphanet 391384, Orphanet 391392, MedGen C3809899, MONDO:0014247, OMIM 615552.

Allele frequency attached by ClinVar (database versions not stated): gnomAD exomes below 0.00001; TOPMed below 0.00001; gnomAD 0.00001.
gnomAD v4.1: 4 of 1,609,092 alleles (0.00025%); highest among the groups gnomAD compares: Non-Finnish European, 0.00034%; no homozygotes.

Submissions (2):

Labcorp Genetics (formerly Invitae), Labcorp
Classification: Uncertain significance for Familial episodic pain syndrome with predominantly lower limb involvement; Hereditary sensory and autonomic neuropathy type 7. Last evaluated: 2024-09-29. Review status: criteria provided, single submitter. Criteria: Invitae Variant Classification Sherloc (09022015). Collection method: clinical testing. Allele origin: germline.
Comment: This sequence change falls in intron 25 of the SCN11A gene. It does not directly change the encoded amino acid sequence of the SCN11A protein. It affects a nucleotide within the consensus splice site. This variant is present in population databases (no rsID available, gnomAD 0.0009%). This variant has not been reported in the literature in individuals affected with SCN11A-related conditions. ClinVar contains an entry for this variant (Variation ID: 1520991). Variants that disrupt the consensus splice site are a relatively common cause of aberrant splicing (PMID: 17576681, 9536098). Algorithms developed to predict the effect of sequence changes on RNA splicing suggest that this variant may disrupt the consensus splice site. In summary, the available evidence is currently insufficient to determine the role of this variant in disease. Therefore, it has been classified as a Variant of Uncertain Significance.

Ambry Genetics
Classification: Uncertain significance for Inborn genetic diseases. Last evaluated: 2019-12-18. Review status: criteria provided, single submitter. Criteria: Ambry Variant Classification Scheme 2023. Collection method: clinical testing. Allele origin: germline.
Comment: The c.4327+5G>A intronic variant results from a G to A substitution 5 nucleotides after coding exon 25 in the SCN11A gene. This nucleotide position is highly conserved in available vertebrate species. Using the BDGP and ESEfinder splice site prediction tools, this alteration is predicted to abolish the native splice donor site; however, direct evidence is unavailable. Since supporting evidence is limited at this time, the clinical significance of this alteration remains unclear.

Literature cited by the submitters: PubMed 17576681 (cited by Labcorp Genetics (formerly Invitae), Labcorp); PubMed 9536098 (cited by Labcorp Genetics (formerly Invitae), Labcorp).

NM_001349253.2(SCN11A):c.4327+5G>A

Gene: SCN11A (sodium voltage-gated channel alpha subunit 11; minus strand). Cytogenetic location: 3p22.2.
Variant type: single nucleotide variant.
Coding change: c.4327+5G>A on transcript NM_001349253.2 (MANE Select); 5 bases into the intron after coding-DNA position 4327, G replaced by A.
Molecular consequence: intron variant.
Genome position (GRCh38, 1-based): chr3:38,850,476, C>T on the plus strand (G>A on the coding strand, the complement: SCN11A is on the minus strand). VCF-style: chr3-38850476-C-T. GRCh37 (hg19) VCF-style: chr3-38891967-C-T.
Other names: c.4327+5G>A (NM_014139.3).
Identifiers: ClinVar variation 1520991 (VCV001520991.8), dbSNP rs924689834, ClinGen allele CA72961572.